The following is an entry in ClinVar:

ClinVar aggregate classification (germline): Likely pathogenic (1 of 4 stars; one submission).

Conditions:
WDPCP-related disorder. Also called: WDPCP-related condition.

gnomAD v4.1: 3 of 1,613,870 alleles (0.00019%); highest among the groups gnomAD compares: Admixed American, 0.0033%; no homozygotes.

Submission:

PreventionGenetics, part of Exact Sciences
Classification: Likely pathogenic for WDPCP-related condition. Last evaluated: 2025-10-31. Review status: criteria provided, single submitter. Criteria: ACMG Guidelines, 2015. Collection method: clinical testing. Allele origin: germline.
Comment: The WDPCP c.826-2A>C variant is predicted to disrupt the AG splice acceptor site and interfere with normal splicing. To our knowledge, this variant has not been reported in any affected individuals in the literature. This variant is reported in 0.0029% of alleles in individuals of Latino descent in gnomAD. Variants that disrupt the consensus splice acceptor site in WDPCP are expected to be pathogenic. This variant is interpreted as likely pathogenic.

NM_015910.7(WDPCP):c.826-2A>C

Gene: WDPCP (WD repeat containing planar cell polarity effector; minus strand). Cytogenetic location: 2p15.
Variant type: single nucleotide variant.
Coding change: c.826-2A>C on transcript NM_015910.7 (MANE Select); the canonical splice acceptor site of the intron before coding-DNA position 826, A replaced by C.
Molecular consequence: splice acceptor variant.
Genome position (GRCh38, 1-based): chr2:63,404,659, T>G on the plus strand (A>C on the coding strand, the complement: WDPCP is on the minus strand). VCF-style: chr2-63404659-T-G. GRCh37 (hg19) VCF-style: chr2-63631794-T-G.
Other names: c.754-2A>C (NM_001354044.2); c.349-2A>C (NM_001042692.3); c.826-2A>C (NM_001354045.2).
Identifiers: ClinVar variation 4987841 (VCV004987841.1).